The following is an entry in ClinVar:

ClinVar aggregate classification (germline): Likely benign (0 of 4 stars; one submission).

Conditions:
FUT1-related disorder. Also called: FUT1-related condition.

Allele frequency attached by ClinVar (database versions not stated): ESP Exome Variant Server 0.01492; TOPMed 0.03021; gnomAD 0.03188; gnomAD exomes 0.03439; ExAC 0.05785; 1000 Genomes Project 30x 0.09244; 1000 Genomes Project 0.09984.

Submission:

PreventionGenetics, part of Exact Sciences
Classification: Likely benign for FUT1-related condition. Last evaluated: 2020-02-25. Review status: no assertion criteria provided. Collection method: clinical testing. Allele origin: germline.
Comment: This variant is classified as likely benign based on ACMG/AMP sequence variant interpretation guidelines (Richards et al. 2015 PMID: 25741868, with internal and published modifications).

NM_001384359.1(FUT1):c.35C>T (p.Ala12Val)

Gene: FUT1 (fucosyltransferase 1 (H blood group); minus strand). Cytogenetic location: 19q13.33.
Variant type: single nucleotide variant.
Coding change: c.35C>T on transcript NM_001384359.1 (MANE Select); coding-DNA position 35, C replaced by T.
Protein change: p.Ala12Val; replaces alanine 12 with valine.
Molecular consequence: missense variant.
Genome position (GRCh38, 1-based): chr19:48,751,247, G>A on the plus strand (C>T on the coding strand, the complement: FUT1 is on the minus strand). VCF-style: chr19-48751247-G-A. GRCh37 (hg19) VCF-style: chr19-49254504-G-A.
Other names: c.35C>T, p.Ala12Val (NM_000148.4, NM_001329877.1); short protein forms A12V.
Identifiers: ClinVar variation 3056653 (VCV003056653.2), dbSNP rs2071699, ClinGen allele CA9557831.
Genomic context (GRCh38, chr19:48,751,247, plus strand): 5'-AAGCTGTCTTGATGGATATGGAGGAAGAAGATTACAGAGAGGACACAGACTAGCAGGAAG[G>A]CCAGGCAGAGCTGACGATGGCTCCGGAGCCACATGGCTGCAGGGGAGGAAAGGCGAATTA-3'
Protein context (NP_001371288.1, residues 2-22): WLRSHRQLCL[Ala12Val]FLLVCVLSVI